The following is an entry in ClinVar:

NM_001256789.3(CACNA1F):c.22A>G (p.Lys8Glu)

Gene: CACNA1F (calcium voltage-gated channel subunit alpha1 F; minus strand). Cytogenetic location: Xp11.23.
Variant type: single nucleotide variant.
Coding change: c.22A>G on transcript NM_001256789.3 (MANE Select); coding-DNA position 22, A replaced by G.
Protein change: p.Lys8Glu; replaces lysine 8 with glutamic acid.
Molecular consequence: missense variant.
Genome position (GRCh38, 1-based): chrX:49,233,288, T>C on the plus strand (A>G on the coding strand, the complement: CACNA1F is on the minus strand). VCF-style: chrX-49233288-T-C. GRCh37 (hg19) VCF-style: chrX-49089750-T-C.
Other names: c.22A>G, p.Lys8Glu (NM_001256790.3, NM_005183.4); short protein forms K8E.
Identifiers: ClinVar variation 1958926 (VCV001958926.6), dbSNP rs2519146888, ClinGen allele CA412930570.
Genomic context (GRCh38, chrX:49,233,288, plus strand): 5'-GGTCAGAGGGGCTCTACCTTGCTCCAAGGGTCTGCAGGGATGGAAGGATTCTCTCACCTT[T>C]CCCGCCTTCAGATTCCGACATCTTTCTTTCGAGATTGAAGGGCCATCTGCACACAACCCC-3'
Protein context (NP_001243718.1, residues 1-18): MSESEGG[Lys8Glu]DTTPEPSPAN

ClinVar aggregate classification (germline): Uncertain significance. Review status: criteria provided, multiple submitters, no conflicts (2 of 4 stars). 2 submissions from 2 submitters: Uncertain significance (2). Last evaluated 2022-08-22.

Conditions:
Inborn genetic diseases. Identifiers: MedGen C0950123, MeSH D030342.

gnomAD v4.1: 1 of 1,209,761 alleles (0.000083%); no homozygotes.

Submissions (2):

Labcorp Genetics (formerly Invitae), Labcorp
Classification: Uncertain significance. Last evaluated: 2022-08-22. Review status: criteria provided, single submitter. Criteria: Invitae Variant Classification Sherloc (09022015). Collection method: clinical testing. Allele origin: germline.
Comment: In summary, the available evidence is currently insufficient to determine the role of this variant in disease. Therefore, it has been classified as a Variant of Uncertain Significance. Algorithms developed to predict the effect of sequence changes on RNA splicing suggest that this variant may create or strengthen a splice site. Algorithms developed to predict the effect of missense changes on protein structure and function (SIFT, PolyPhen-2, Align-GVGD) all suggest that this variant is likely to be tolerated. This variant has not been reported in the literature in individuals affected with CACNA1F-related conditions. This variant is not present in population databases (gnomAD no frequency). This sequence change replaces lysine, which is basic and polar, with glutamic acid, which is acidic and polar, at codon 8 of the CACNA1F protein (p.Lys8Glu).

Ambry Genetics
Classification: Uncertain significance for Inborn genetic diseases. Last evaluated: 2022-07-06. Review status: criteria provided, single submitter. Criteria: Ambry Variant Classification Scheme 2023. Collection method: clinical testing. Allele origin: germline.